The following is an entry in ClinVar:

ClinVar aggregate classification (germline): Uncertain significance. Review status: criteria provided, multiple submitters, no conflicts (2 of 4 stars). 2 submissions from 2 submitters: Uncertain significance (2). Last evaluated 2024-05-06.

Conditions:
Cardiovascular phenotype. Identifiers: MedGen CN230736.
Hypertrophic cardiomyopathy. Also called: HYPERTROPHIC MYOCARDIOPATHY. Identifiers: Orphanet 217569, MedGen C0007194, MeSH D002312, MONDO:0005045, HP:0001639.

Allele frequency attached by ClinVar (database versions not stated): TOPMed below 0.00001; gnomAD 0.00001.
gnomAD v4.1: 4 of 1,609,028 alleles (0.00025%); highest among the groups gnomAD compares: Non-Finnish European, 0.00034%; no homozygotes.

Submissions (2):

Labcorp Genetics (formerly Invitae), Labcorp
Classification: Uncertain significance for Hypertrophic cardiomyopathy. Last evaluated: 2024-05-06. Review status: criteria provided, single submitter. Criteria: Invitae Variant Classification Sherloc (09022015). Collection method: clinical testing. Allele origin: germline.
Comment: This sequence change replaces lysine, which is basic and polar, with threonine, which is neutral and polar, at codon 579 of the MYBPC3 protein (p.Lys579Thr). This variant is not present in population databases (gnomAD no frequency). This variant has not been reported in the literature in individuals affected with MYBPC3-related conditions. ClinVar contains an entry for this variant (Variation ID: 1779073). An algorithm developed to predict the effect of missense changes on protein structure and function (PolyPhen-2) suggests that this variant is likely to be disruptive. In summary, the available evidence is currently insufficient to determine the role of this variant in disease. Therefore, it has been classified as a Variant of Uncertain Significance.

Ambry Genetics
Classification: Uncertain significance for Cardiovascular phenotype. Last evaluated: 2020-07-16. Review status: criteria provided, single submitter. Criteria: Ambry Variant Classification Scheme 2023. Collection method: clinical testing. Allele origin: germline.
Comment: The p.K579T variant (also known as c.1736A>C), located in coding exon 18 of the MYBPC3 gene, results from an A to C substitution at nucleotide position 1736. The lysine at codon 579 is replaced by threonine, an amino acid with similar properties. This amino acid position is highly conserved in available vertebrate species. In addition, this alteration is predicted to be deleterious by in silico analysis. Since supporting evidence is limited at this time, the clinical significance of this alteration remains unclear.

NM_000256.3(MYBPC3):c.1736A>C (p.Lys579Thr)

Gene: MYBPC3 (myosin binding protein C3; minus strand). Cytogenetic location: 11p11.2.
Variant type: single nucleotide variant.
Coding change: c.1736A>C on transcript NM_000256.3 (MANE Select); coding-DNA position 1736, A replaced by C.
Protein change: p.Lys579Thr; replaces lysine 579 with threonine.
Molecular consequence: missense variant.
Genome position (GRCh38, 1-based): chr11:47,342,045, T>G on the plus strand (A>C on the coding strand, the complement: MYBPC3 is on the minus strand). VCF-style: chr11-47342045-T-G. GRCh37 (hg19) VCF-style: chr11-47363596-T-G.
Other names: short protein forms K579T.
Identifiers: ClinVar variation 1779073 (VCV001779073.4), dbSNP rs1426711725, ClinGen allele CA380324266.